The following is an entry in ClinVar:

ClinVar aggregate classification (germline): Uncertain significance (1 of 4 stars; one submission).

gnomAD v4.1: 26 of 1,613,926 alleles (0.0016%); highest among the groups gnomAD compares: South Asian, 0.025%; no homozygotes.

Submission:

Labcorp Genetics (formerly Invitae), Labcorp
Classification: Uncertain significance. Last evaluated: 2025-09-22. Review status: criteria provided, single submitter. Criteria: Invitae Variant Classification Sherloc (09022015). Collection method: clinical testing. Allele origin: germline.
Comment: This sequence change replaces alanine, which is neutral and non-polar, with threonine, which is neutral and polar, at codon 525 of the NYNRIN protein (p.Ala525Thr). This variant is present in population databases (rs761763445, gnomAD 0.02%). This variant has not been reported in the literature in individuals affected with NYNRIN-related conditions. An algorithm developed to predict the effect of missense changes on protein structure and function outputs the following: PolyPhen-2: "Not Available". The threonine amino acid residue is found in multiple mammalian species, which suggests that this missense change does not adversely affect protein function. In summary, the available evidence is currently insufficient to determine the role of this variant in disease. Therefore, it has been classified as a Variant of Uncertain Significance.

NM_025081.3(NYNRIN):c.1573G>A (p.Ala525Thr)

Gene: NYNRIN (NYN domain and retroviral integrase containing; plus strand). Cytogenetic location: 14q12.
Variant type: single nucleotide variant.
Coding change: c.1573G>A on transcript NM_025081.3 (MANE Select); coding-DNA position 1573, G replaced by A.
Protein change: p.Ala525Thr; replaces alanine 525 with threonine.
Molecular consequence: missense variant.
Genome position (GRCh38, 1-based): chr14:24,409,367, G>A. VCF-style: chr14-24409367-G-A. GRCh37 (hg19) VCF-style: chr14-24878573-G-A.
Other names: short protein forms A525T.
Identifiers: ClinVar variation 4711959 (VCV004711959.1).
Genomic context (GRCh38, chr14:24,409,367, plus strand): 5'-TTTAAGGGACTGGAAGAGGGACCCGCTCCAGTGCTGCCAACAGGGCAAGGGAAGCCCGTG[G>A]CTCAAGGGGGGCTGACAGATCAGTCAGTACCTGGAGCTCAAACAGTGCCTGAAACTCTCA-3'
Protein context (NP_079357.2, residues 515-535): VLPTGQGKPV[Ala525Thr]QGGLTDQSVP